The following is an entry in ClinVar:

NM_001079.4(ZAP70):c.1282G>A (p.Gly428Ser)

Gene: ZAP70 (zeta chain of T cell receptor associated protein kinase 70; plus strand). Cytogenetic location: 2q11.2.
Variant type: single nucleotide variant.
Coding change: c.1282G>A on transcript NM_001079.4 (MANE Select); coding-DNA position 1282, G replaced by A.
Protein change: p.Gly428Ser; replaces glycine 428 with serine.
Molecular consequence: missense variant.
Genome position (GRCh38, 1-based): chr2:97,735,449, G>A. VCF-style: chr2-97735449-G-A. GRCh37 (hg19) VCF-style: chr2-98351912-G-A.
Other names: c.1282G>A, p.Gly428Ser (NM_001378594.1); c.361G>A, p.Gly121Ser (NM_207519.2); c.1282G>A (NM_001079.3); short protein forms G121S, G428S.
Identifiers: ClinVar variation 1037539 (VCV001037539.9), dbSNP rs149448335, ClinGen allele CA1790413.

ClinVar aggregate classification (germline): Uncertain significance. Review status: criteria provided, multiple submitters, no conflicts (2 of 4 stars). 3 submissions from 3 submitters: Uncertain significance (3). Last evaluated 2025-07-31.

Conditions:
Inborn genetic diseases. Identifiers: MedGen C0950123, MeSH D030342.
Combined immunodeficiency due to ZAP70 deficiency (IMD48). Also called: Immunodeficiency 48; ZAP70 Deficiency. Identifiers: Orphanet 911, MedGen C2931299, MONDO:0010023, OMIM 269840.

Allele frequency attached by ClinVar (database versions not stated): ExAC 0.00003; ESP Exome Variant Server 0.00015; TOPMed 0.00006.
gnomAD v4.1: 57 of 1,610,858 alleles (0.0035%); highest among the groups gnomAD compares: African/African-American, 0.0093%; no homozygotes.

Submissions (4):

Ambry Genetics
Classification: Uncertain significance for Inborn genetic diseases. Last evaluated: 2025-07-31. Review status: criteria provided, single submitter. Criteria: Ambry Variant Classification Scheme 2023. Collection method: clinical testing. Allele origin: germline.

Blueprint Genetics
Classification: Uncertain significance. Last evaluated: 2024-09-11. Review status: criteria provided, single submitter. Criteria: ACMG Guidelines, 2015. Collection method: clinical testing. Allele origin: germline.

Labcorp Genetics (formerly Invitae), Labcorp
Classification: Uncertain significance for Combined immunodeficiency due to ZAP70 deficiency. Last evaluated: 2022-07-14. Review status: criteria provided, single submitter. Criteria: Invitae Variant Classification Sherloc (09022015). Collection method: clinical testing. Allele origin: germline.
Comment: This sequence change replaces glycine, which is neutral and non-polar, with serine, which is neutral and polar, at codon 428 of the ZAP70 protein (p.Gly428Ser). This variant is present in population databases (rs149448335, gnomAD 0.008%). This variant has not been reported in the literature in individuals affected with ZAP70-related conditions. ClinVar contains an entry for this variant (Variation ID: 1037539). Algorithms developed to predict the effect of missense changes on protein structure and function output the following: SIFT: "Not Available"; PolyPhen-2: "Benign"; Align-GVGD: "Not Available". The serine amino acid residue is found in multiple mammalian species, which suggests that this missense change does not adversely affect protein function. Algorithms developed to predict the effect of sequence changes on RNA splicing suggest that this variant may create or strengthen a splice site. In summary, the available evidence is currently insufficient to determine the role of this variant in disease. Therefore, it has been classified as a Variant of Uncertain Significance.

Dr. Peter K. Rogan Lab, Western University
No classification provided (evidence only). Condition: Hepatocellular carcinoma. Review status: no classification provided. Collection method: in vitro. Allele origin: not applicable. Functional consequence: retained intron. Not counted in ClinVar's aggregate classification.